The following is an entry in ClinVar:

ClinVar aggregate classification (germline): Uncertain significance (1 of 4 stars; one submission).

Conditions:
Macrocephaly, acquired, with impaired intellectual development. Also called: MACROCEPHALY, ACQUIRED, WITH MENTAL RETARDATION. Identifiers: MedGen C4748993, MONDO:0032658, OMIM 618286.

Submission:

3billion
Classification: Uncertain significance for Macrocephaly, acquired, with impaired intellectual development. Last evaluated: 2025-08-26. Review status: criteria provided, single submitter. Criteria: ACMG Guidelines, 2015. Collection method: clinical testing. Allele origin: germline. Affected: yes.
Comment: The variant is not observed in the gnomAD v4.1.0 dataset. Predicted Consequence/Location: Intron variant In silico tools predict the variant to alter splicing and produce an abnormal transcript [SpliceAI: 0.62 (>=0.2, moderate evidence for spliceogenicity)]. Therefore, this variant is classified as VUS according to the recommendation of ACMG/AMP guideline.

NM_001190737.2(NFIB):c.30+3A>T

Gene: NFIB (nuclear factor I B; minus strand). Cytogenetic location: 9p22.3.
Variant type: single nucleotide variant.
Coding change: c.30+3A>T on transcript NM_001190737.2 (MANE Select); 3 bases into the intron after coding-DNA position 30, A replaced by T.
Molecular consequence: intron variant.
Genome position (GRCh38, 1-based): chr9:14,313,479, T>A on the plus strand (A>T on the coding strand, the complement: NFIB is on the minus strand). VCF-style: chr9-14313479-T-A. GRCh37 (hg19) VCF-style: chr9-14313478-T-A.
Other names: c.30+3A>T (NM_005596.3, NM_001369475.1, NM_001369477.1 and 5 more transcripts); c.97-5959A>T (NM_001369468.1, NM_001369462.1, NM_001369459.1 and 1 more transcripts); c.109-5959A>T (NM_001190738.2); c.19-5959A>T (NM_001369478.1, NM_001369470.1, NM_001369473.1 and 4 more transcripts); c.-115+2615A>T (NM_001369469.1).
Identifiers: ClinVar variation 4855987 (VCV004855987.1).